The following is an entry in ClinVar:

ClinVar aggregate classification (germline): Uncertain significance (1 of 4 stars; one submission).

Conditions:
Inborn genetic diseases. Identifiers: MedGen C0950123, MeSH D030342.

Submission:

Ambry Genetics
Classification: Uncertain significance for Inborn genetic diseases. Last evaluated: 2026-02-27. Review status: criteria provided, single submitter. Criteria: Ambry Variant Classification Scheme 2023. Collection method: clinical testing. Allele origin: germline.
Comment: The c.175_189dup15 variant (also known as p.Y59_P63dup), located in coding exon 1 of the GATA2 gene, results from an in-frame duplication of 15 nucleotides at nucleotide positions 175 to 189. This results in the duplication of 5 extra residues (YYANP) between codons 59 and 63. This amino acid region is well conserved in available vertebrate species. In addition, this variant is predicted to be neutral by in silico analysis (Choi Y et al. PLoS ONE. 2012; 7(10):e46688). Based on the available evidence, the clinical significance of this variant remains unclear.

NM_032638.5(GATA2):c.175_189dup (p.Pro63_Ala64insTyrTyrAlaAsnPro)

Gene: GATA2 (GATA binding protein 2; minus strand). Cytogenetic location: 3q21.3.
Variant type: Duplication.
Coding change: c.175_189dup on transcript NM_032638.5 (MANE Select); coding-DNA positions 175 to 189, 15 bases duplicated (TACTATGCCAACCCC).
Protein change: p.Pro63_Ala64insTyrTyrAlaAsnPro.
Molecular consequence: inframe indel (on NM_032638.4).
Genome position (GRCh38, 1-based): chr3:128,486,843-128,486,857, GGGGTTGGCATAGTA duplicated on the plus strand (TACTATGCCAACCCC on the coding strand, the reverse complement: GATA2 is on the minus strand); duplicating any 15 consecutive bases within chr3:128,486,843-128,486,864 gives the same sequence; the c. name uses the placement nearest the transcript's 3' end. VCF-style (leftmost placement, unchanged base first): chr3-128486842-C-CGGGGTTGGCATAGTA. GRCh37 (hg19) VCF-style: chr3-128205685-C-CGGGGTTGGCATAGTA.
Other names: c.175_189dupTACTATGCCAACCCC (NM_032638.4); c.175_189dup, p.Pro63_Ala64insTyrTyrAlaAsnPro (NM_001145661.2, NM_001145662.1).
Identifiers: ClinVar variation 4824117 (VCV004824117.1).